The following is an entry in ClinVar:

NM_002617.4(PEX10):c.299_300delinsAT (p.Ala100Asp)

Gene: PEX10 (peroxisomal biogenesis factor 10; minus strand). Cytogenetic location: 1p36.32.
Variant type: Indel.
Coding change: c.299_300delinsAT on transcript NM_002617.4 (MANE Select); coding-DNA positions 299 to 300, CC replaced by AT.
Protein change: p.Ala100Asp; replaces alanine 100 with aspartic acid.
Molecular consequence: missense variant. On other transcripts: 5 prime UTR variant (2), non-coding transcript variant (1).
Genome position (GRCh38, 1-based): chr1:2,408,752-2,408,753, GG replaced by AT on the plus strand (CC replaced by AT on the coding strand, the reverse complement: PEX10 is on the minus strand). VCF-style: chr1-2408752-GG-AT. GRCh37 (hg19) VCF-style: chr1-2340191-GG-AT.
Other names: c.299_300delinsAT, p.Ala100Asp (NM_001374425.1, NM_153818.2); c.-134_-133delinsAT (NM_001374426.1, NM_001374427.1); short protein forms A100D.
Identifiers: ClinVar variation 1358056 (VCV001358056.8), dbSNP rs2100429705, ClinGen allele CA2573131885.
Genomic context (GRCh38, chr1:2,408,752, plus strand): 5'-GTCAGCCTGCAGCTCCTGCTCCAGGGGGAGCAGGGCCTTGTCCAGCAGGTAGGGCAGGAC[GG>AT]CATGCAGTGTCACCAGCACGCCACGGCGCAGCGAGGAGGGCACATGTATCCGCGATGGGT-3'
Protein context (NP_002608.1, residues 90-110): LRRGVLVTLH[Ala100Asp]VLPYLLDKAL

ClinVar aggregate classification (germline): Uncertain significance (1 of 4 stars; one submission).

Conditions:
Peroxisome biogenesis disorder, complementation group 7 (CG7). Also called: Peroxisome biogenesis disorder, complementation group B. Identifiers: MedGen C1864399.

Submission:

Labcorp Genetics (formerly Invitae), Labcorp
Classification: Uncertain significance for Peroxisome biogenesis disorder, complementation group 7. Last evaluated: 2022-05-03. Review status: criteria provided, single submitter. Criteria: Invitae Variant Classification Sherloc (09022015). Collection method: clinical testing. Allele origin: germline.
Comment: This variant has not been reported in the literature in individuals affected with PEX10-related conditions. This variant is present in population databases (no rsID available, gnomAD 0.04%). This sequence change replaces alanine, which is neutral and non-polar, with aspartic acid, which is acidic and polar, at codon 100 of the PEX10 protein (p.Ala100Asp). Algorithms developed to predict the effect of missense changes on protein structure and function are either unavailable or do not agree on the potential impact of this missense change (SIFT: "Not Available"; PolyPhen-2: "Benign"; Align-GVGD: "Not Available"). In summary, the available evidence is currently insufficient to determine the role of this variant in disease. Therefore, it has been classified as a Variant of Uncertain Significance.